The following is an entry in ClinVar:

ClinVar aggregate classification (germline): Uncertain significance. Review status: criteria provided, multiple submitters, no conflicts (2 of 4 stars). 3 submissions from 3 submitters: Uncertain significance (3). Last evaluated 2024-05-23.

Conditions:
Meckel-Gruber syndrome. Also called: DYSENCEPHALIA SPLANCHNOCYSTICA; GRUBER SYNDROME; Dysencephalia splachnocystica. Identifiers: Orphanet 564, MedGen C0265215, MONDO:0018921.
Joubert syndrome. Also called: CEREBELLOPARENCHYMAL DISORDER IV; JOUBERT-BOLTSHAUSER SYNDROME; Familial aplasia of the vermis. Identifiers: Orphanet 475, MedGen C5979921, MONDO:0018772.
Joubert syndrome 24 (JBTS24). Identifiers: Orphanet 475, MedGen C4084841, MONDO:0014724, OMIM 616654.
Meckel syndrome, type 8. Identifiers: Orphanet 564, MedGen C3836857, MONDO:0013482, OMIM 613885.
Inborn genetic diseases. Identifiers: MedGen C0950123, MeSH D030342.

Allele frequency attached by ClinVar (database versions not stated): gnomAD exomes below 0.00001 and 0.00002; ExAC 0.00001; gnomAD 0.00001 and 0.00002; TOPMed 0.00002.
gnomAD v4.1: 25 of 1,613,974 alleles (0.0015%); highest among the groups gnomAD compares: Non-Finnish European, 0.002%; no homozygotes.

Submissions (3):

Fulgent Genetics
Classification: Uncertain significance for Meckel syndrome, type 8; Joubert syndrome 24. Last evaluated: 2024-05-23. Review status: criteria provided, single submitter. Criteria: ACMG Guidelines, 2015. Collection method: clinical testing. Allele origin: germline.

Ambry Genetics
Classification: Uncertain significance for Inborn genetic diseases. Last evaluated: 2024-03-08. Review status: criteria provided, single submitter. Criteria: Ambry Variant Classification Scheme 2023. Collection method: clinical testing. Allele origin: germline.

Labcorp Genetics (formerly Invitae), Labcorp
Classification: Uncertain significance for Joubert syndrome; Meckel-Gruber syndrome. Last evaluated: 2021-10-25. Review status: criteria provided, single submitter. Criteria: Invitae Variant Classification Sherloc (09022015). Collection method: clinical testing. Allele origin: germline.
Comment: This variant is present in population databases (rs765771036, gnomAD 0.0009%). In summary, the available evidence is currently insufficient to determine the role of this variant in disease. Therefore, it has been classified as a Variant of Uncertain Significance. Algorithms developed to predict the effect of sequence changes on RNA splicing suggest that this variant may create or strengthen a splice site. Algorithms developed to predict the effect of missense changes on protein structure and function (SIFT, PolyPhen-2, Align-GVGD) all suggest that this variant is likely to be disruptive. This variant has not been reported in the literature in individuals affected with TCTN2-related conditions. This sequence change replaces cysteine, which is neutral and slightly polar, with serine, which is neutral and polar, at codon 488 of the TCTN2 protein (p.Cys488Ser).

NM_024809.5(TCTN2):c.1462T>A (p.Cys488Ser)

Gene: TCTN2 (tectonic family member 2; plus strand). Cytogenetic location: 12q24.31.
Variant type: single nucleotide variant.
Coding change: c.1462T>A on transcript NM_024809.5 (MANE Select); coding-DNA position 1462, T replaced by A.
Protein change: p.Cys488Ser; replaces cysteine 488 with serine.
Molecular consequence: missense variant.
Genome position (GRCh38, 1-based): chr12:123,697,155, T>A. VCF-style: chr12-123697155-T-A. GRCh37 (hg19) VCF-style: chr12-124181702-T-A.
Other names: c.1462T>A (NM_024809.3); c.1459T>A, p.Cys487Ser (NM_001143850.3); short protein forms C487S, C488S.
Identifiers: ClinVar variation 1473310 (VCV001473310.8), dbSNP rs765771036, ClinGen allele CA6861223.
Genomic context (GRCh38, chr12:123,697,155, plus strand): 5'-GGTCTGTGTACATCAGCAACTTTCAAACCCATTTTATTTGGAGAAAATGTACTCTCTGGA[T>A]GCCTGTTAGAAGTCGGGATTAATGAAAATTGTACTCAGCTCAGGTGAGTGTTTCATTGAT-3'
Protein context (NP_079085.2, residues 478-498): ILFGENVLSG[Cys488Ser]LLEVGINENC